The following is an entry in ClinVar:

ClinVar aggregate classification (germline): Conflicting classifications of pathogenicity. Review status: criteria provided, conflicting classifications (1 of 4 stars). 6 submissions from 6 submitters: Uncertain significance (4); Likely benign (1). 1 of the submissions does not count toward it. Last evaluated 2025-10-02.

Conditions:
CFTR-related disorder (CFTR-RD). Also called: CFTR-related disorders; CFTR-related condition. Identifiers: MedGen C5924204, MONDO:7770004.
Cystic fibrosis (CF). Also called: MUCOVISCIDOSIS. Identifiers: Orphanet 586, MedGen C0010674, MONDO:0009061, OMIM 219700. Disease mechanism: loss of function.

Allele frequency attached by ClinVar (database versions not stated): gnomAD exomes 0.00008.

Submissions (6):

Institute of Human Genetics, University of Leipzig Medical Center
Classification: Uncertain significance for Cystic fibrosis. Last evaluated: 2025-10-02. Review status: criteria provided, single submitter. Criteria: ACMG Guidelines, 2015. Collection method: clinical testing. Allele origin: unknown. Inheritance: Autosomal recessive inheritance. Affected: yes.
Comment: Criteria applied: PM3

Johns Hopkins Genomics, Johns Hopkins University
Classification: Uncertain significance for Cystic fibrosis. Last evaluated: 2025-07-11. Review status: criteria provided, single submitter. Criteria: ACMG Guidelines, 2015. Collection method: clinical testing. Allele origin: germline.
Comment: Variants in the T tract alone are not thought to be CF-causing variants; however, their likelihood of acting as such is influenced by another region in the CFTR gene called the TG tract. The TG tract typically occurs in three forms: 11TG, 12TG, or 13TG. This variant has been reported in individuals with features of CF and in ClinVar (Variation ID: 1043026). It (rs4148705) has been identified in a large population dataset and the minor allele frequency is neither low enough to consider the variant rare (<0.1%) nor high enough to consider it a population polymorphism (>1%) within the Ashkenazi Jewish subpopulation (gnomADv4.1.0: 68/26820 alleles; 0.25%, no homozygotes). Three bioinformatic tools predicts that this intronic variant would not significantly affect normal exon 10 (legacy exon 9) splicing, although this has not been confirmed experimentally to our knowledge. We consider the clinical significance of 6T/13TG to be uncertain at this time, although it is unlikely to be CF-causing and could be a variant of varying clinical consequence (VCC).

Blueprint Genetics
Classification: Likely benign. Last evaluated: 2024-10-18. Review status: criteria provided, single submitter. Criteria: ACMG Guidelines, 2015. Collection method: clinical testing. Allele origin: germline.

Quest Diagnostics Nichols Institute San Juan Capistrano
Classification: Uncertain significance. Last evaluated: 2021-12-14. Review status: criteria provided, single submitter. Criteria: Quest Diagnostics criteria. Collection method: clinical testing. Allele origin: unknown.

Labcorp Genetics (formerly Invitae), Labcorp
Classification: Uncertain significance for Cystic fibrosis. Last evaluated: 2020-10-10. Review status: criteria provided, single submitter. Criteria: Invitae Variant Classification Sherloc (09022015). Collection method: clinical testing. Allele origin: germline.
Comment: This variant consists of 13 TG and 6 T nucleotide repeats and is located in intron 9 of the CFTR gene. While this variant is present in population databases (rs397843667), the frequency information is unreliable, as metrics indicate poor data quality at this position in the ExAC database. This variant has not been reported in the literature in an individual with a CFTR-related disease. Considering that biallelic pathogenic variants in CFTR are expected to cause cystic fibrosis or congenital bilateral absence of the vas deferens (CBAVD), this evidence indicates this TG[13]T[6] allele is not a primary cause of disease. Different TG variants, TG[11]T6 and TG[12]T[6], have been reported in individuals affected with bronchial asthma and chronic bronchitis, as well as healthy individuals (PMID: 18350634, 23554779). A different TG13 variant, TG[13]T[5] is known to induce skipping of exon 9, and has been observed in individuals affected with CBAVD and cystic fibrosis (PMID: 10556281, 14685937), while the TG[13]T[7] variant has only been reported in controls (PMID: 24551851). In summary, the available evidence is currently insufficient to determine the role of this variant in disease. Therefore, it has been classified as a Variant of Uncertain Significance.

PreventionGenetics, part of Exact Sciences
Classification: Likely benign for CFTR-related condition. Last evaluated: 2022-03-09. Review status: no assertion criteria provided. Collection method: clinical testing. Allele origin: germline. Not counted in ClinVar's aggregate classification.
Comment: This variant is classified as likely benign based on ACMG/AMP sequence variant interpretation guidelines (Richards et al. 2015 PMID: 25741868, with internal and published modifications).

Literature cited by the submitters: PubMed 15562283 (cited by Johns Hopkins Genomics, Johns Hopkins University and Quest Diagnostics Nichols Institute San Juan Capistrano); PubMed 18350634 (cited by Johns Hopkins Genomics, Johns Hopkins University and Labcorp Genetics (formerly Invitae), Labcorp); PubMed 22191729 (cited by Johns Hopkins Genomics, Johns Hopkins University and Quest Diagnostics Nichols Institute San Juan Capistrano); PubMed 15070876 (cited by Quest Diagnostics Nichols Institute San Juan Capistrano); PubMed 16212675 (cited by Quest Diagnostics Nichols Institute San Juan Capistrano); PubMed 32757986 (cited by Quest Diagnostics Nichols Institute San Juan Capistrano); PubMed 23554779 (cited by Labcorp Genetics (formerly Invitae), Labcorp); PubMed 10556281 (cited by Labcorp Genetics (formerly Invitae), Labcorp); PubMed 14685937 (cited by Labcorp Genetics (formerly Invitae), Labcorp); PubMed 24551851 (cited by Labcorp Genetics (formerly Invitae), Labcorp).

NM_000492.4(CFTR):c.1210-12_1210-11insGTG

Genes: CFTR (CF transmembrane conductance regulator; plus strand), CFTR-AS1 (CFTR antisense RNA 1; minus strand). Cytogenetic location: 7q31.2.
Variant type: Insertion.
Coding change: c.1210-12_1210-11insGTG on transcript NM_000492.4 (MANE Select); 12 bases into the intron before coding-DNA position 1210 through 11 bases into the intron before coding-DNA position 1210, GTG inserted.
Molecular consequence: intron variant.
Genome position: GRCh38 VCF-style: chr7-117548629-T-TGTG. GRCh37 (hg19) VCF-style: chr7-117188683-T-TGTG.
Other names: c.1210-12_1210-11insGTG (NM_000492.3).
Identifiers: ClinVar variation 1043026 (VCV001043026.7), dbSNP rs4148705, ClinGen allele CA4450951.